The following is an entry in ClinVar:

NM_031229.4(RBCK1):c.812G>A (p.Arg271Lys)

Gene: RBCK1 (RANBP2-type and C3HC4-type zinc finger containing 1; plus strand). Cytogenetic location: 20p13.
Variant type: single nucleotide variant.
Coding change: c.812G>A on transcript NM_031229.4 (MANE Select); coding-DNA position 812, G replaced by A.
Protein change: p.Arg271Lys; replaces arginine 271 with lysine.
Molecular consequence: missense variant. On other transcripts: non-coding transcript variant (1), intron variant (2).
Genome position (GRCh38, 1-based): chr20:420,926, G>A. VCF-style: chr20-420926-G-A. GRCh37 (hg19) VCF-style: chr20-401570-G-A.
Other names: c.863G>A, p.Arg288Lys (NM_001410770.1); c.686G>A, p.Arg229Lys (NM_006462.6); c.407+1195G>A (NM_001323956.2, NM_001323958.2); short protein forms R229K, R271K, R288K.
Identifiers: ClinVar variation 1902612 (VCV001902612.4), dbSNP rs1395352050, ClinGen allele CA407927922.

ClinVar aggregate classification (germline): Uncertain significance (1 of 4 stars; one submission).

Conditions:
Polyglucosan body myopathy type 1 (PGBM1). Also called: POLYGLUCOSAN BODY MYOPATHY WITHOUT IMMUNODEFICIENCY; Polyglucosan body myopathy 1 with or without immunodeficiency. Identifiers: Orphanet 329173, Orphanet 397937, MedGen C4014605, MONDO:0014389, OMIM 615895.

Allele frequency attached by ClinVar (database versions not stated): gnomAD exomes below 0.00001; gnomAD 0.00001; TOPMed 0.00001.

Submission:

Labcorp Genetics (formerly Invitae), Labcorp
Classification: Uncertain significance for Polyglucosan body myopathy type 1. Last evaluated: 2025-04-01. Review status: criteria provided, single submitter. Criteria: Invitae Variant Classification Sherloc (09022015). Collection method: clinical testing. Allele origin: germline.
Comment: This sequence change replaces arginine, which is basic and polar, with lysine, which is basic and polar, at codon 271 of the RBCK1 protein (p.Arg271Lys). This variant is not present in population databases (gnomAD no frequency). This variant has not been reported in the literature in individuals affected with RBCK1-related conditions. ClinVar contains an entry for this variant (Variation ID: 1902612). Invitae Evidence Modeling of protein sequence and biophysical properties (such as structural, functional, and spatial information, amino acid conservation, physicochemical variation, residue mobility, and thermodynamic stability) indicates that this missense variant is not expected to disrupt RBCK1 protein function with a negative predictive value of 80%. In summary, the available evidence is currently insufficient to determine the role of this variant in disease. Therefore, it has been classified as a Variant of Uncertain Significance.